The following is an entry in ClinVar:

NM_001378778.1(MPDZ):c.46C>T (p.Arg16Cys)

Gene: MPDZ (multiple PDZ domain crumbs cell polarity complex component; minus strand). Cytogenetic location: 9p23.
Variant type: single nucleotide variant.
Coding change: c.46C>T on transcript NM_001378778.1 (MANE Select); coding-DNA position 46, C replaced by T.
Protein change: p.Arg16Cys; replaces arginine 16 with cysteine.
Molecular consequence: missense variant.
Genome position (GRCh38, 1-based): chr9:13,247,772, G>A on the plus strand (C>T on the coding strand, the complement: MPDZ is on the minus strand). VCF-style: chr9-13247772-G-A. GRCh37 (hg19) VCF-style: chr9-13247771-G-A.
Other names: c.46C>T, p.Arg16Cys (NM_001261406.2, NM_001261407.2, NM_001330637.2 and 14 more transcripts); short protein forms R16C.
Identifiers: ClinVar variation 3695097 (VCV003695097.2).

ClinVar aggregate classification (germline): Uncertain significance (1 of 4 stars; one submission).

gnomAD v4.1: 16 of 1,611,392 alleles (0.00099%); highest among the groups gnomAD compares: East Asian, 0.0045%; no homozygotes.

Submission:

Labcorp Genetics (formerly Invitae), Labcorp
Classification: Uncertain significance. Last evaluated: 2024-06-05. Review status: criteria provided, single submitter. Criteria: Invitae Variant Classification Sherloc (09022015). Collection method: clinical testing. Allele origin: germline.
Comment: This sequence change replaces arginine, which is basic and polar, with cysteine, which is neutral and slightly polar, at codon 16 of the MPDZ protein (p.Arg16Cys). This variant is present in population databases (rs767520042, gnomAD 0.01%). This variant has not been reported in the literature in individuals affected with MPDZ-related conditions. An algorithm developed to predict the effect of missense changes on protein structure and function (PolyPhen-2) suggests that this variant is likely to be disruptive. In summary, the available evidence is currently insufficient to determine the role of this variant in disease. Therefore, it has been classified as a Variant of Uncertain Significance.